The following is an entry in ClinVar:

NM_014014.5(SNRNP200):c.3890C>T (p.Pro1297Leu)

Gene: SNRNP200 (small nuclear ribonucleoprotein U5 subunit 200; minus strand). Cytogenetic location: 2q11.2.
Variant type: single nucleotide variant.
Coding change: c.3890C>T on transcript NM_014014.5 (MANE Select); coding-DNA position 3890, C replaced by T.
Protein change: p.Pro1297Leu; replaces proline 1297 with leucine.
Molecular consequence: missense variant.
Genome position (GRCh38, 1-based): chr2:96,286,424, G>A on the plus strand (C>T on the coding strand, the complement: SNRNP200 is on the minus strand). VCF-style: chr2-96286424-G-A. GRCh37 (hg19) VCF-style: chr2-96952162-G-A.
Other names: short protein forms P1297L.
Identifiers: ClinVar variation 1359512 (VCV001359512.6), dbSNP rs2104343853, ClinGen allele CA347670873.

ClinVar aggregate classification (germline): Uncertain significance (1 of 4 stars; one submission).

Submission:

Labcorp Genetics (formerly Invitae), Labcorp
Classification: Uncertain significance. Last evaluated: 2021-12-02. Review status: criteria provided, single submitter. Criteria: Invitae Variant Classification Sherloc (09022015). Collection method: clinical testing. Allele origin: germline.
Comment: This sequence change replaces proline, which is neutral and non-polar, with leucine, which is neutral and non-polar, at codon 1297 of the SNRNP200 protein (p.Pro1297Leu). This variant is not present in population databases (gnomAD no frequency). This variant has not been reported in the literature in individuals affected with SNRNP200-related conditions. Algorithms developed to predict the effect of missense changes on protein structure and function are either unavailable or do not agree on the potential impact of this missense change (SIFT: "Deleterious"; PolyPhen-2: "Probably Damaging"; Align-GVGD: "Class C0"). In summary, the available evidence is currently insufficient to determine the role of this variant in disease. Therefore, it has been classified as a Variant of Uncertain Significance.